The following is an entry in ClinVar:

NM_001876.4(CPT1A):c.1251= (p.Phe417=)

Genes: CPT1A (carnitine palmitoyltransferase 1A; minus strand), LOC126861244 (BRD4-independent group 4 enhancer GRCh37_chr11:68549035-68550234; plus strand). Cytogenetic location: 11q13.3.
Variant type: single nucleotide variant.
Coding change: c.1251= on transcript NM_001876.4 (MANE Select); coding-DNA position 1251, no change from the reference sequence.
Protein change: p.Phe417=; no amino-acid change (phenylalanine 417 retained).
Molecular consequence: no sequence alteration.
Genome position: GRCh38 VCF-style: chr11-68781872-A-A. GRCh37 (hg19) VCF-style: chr11-68549340-A-A.
Other names: p.F417F:TTC>TTT; c.1251=, p.Phe417= (NM_001031847.3).
Identifiers: ClinVar variation 137027 (VCV000137027.12), dbSNP rs2228502.
Genomic context (GRCh38, chr11:68,781,872, plus strand): 5'-GTCCATTGACGTATCCGGGTCTTCACTTCTGTATCCTTCTTCAGTTTCATCTAACGTCAC[A=]AAGAACGCTGCTTTCTCCACAGCATCAAGAGACTGCTTATTTTTCCCACGTCCAAAATAG-3'
Protein context (NP_001867.2, residues 407-427): SLDAVEKAAF[Phe417=]VTLDETEEGY

ClinVar aggregate classification (germline): Benign. Review status: criteria provided, multiple submitters, no conflicts (2 of 4 stars). 2 submissions from 2 submitters: Benign (2). Last evaluated 2026-02-04.

Conditions:
Carnitine palmitoyl transferase 1A deficiency. Also called: Carnitine palmitoyltransferase 1A deficiency; Carnitine palmitoyltransferase type I deficiency; CPT I DEFICIENCY; CPT DEFICIENCY, HEPATIC, TYPE I; CPT deficiency, hepatic, type IA. Identifiers: Orphanet 156, MedGen C1829703, MONDO:0009705, OMIM 255120.

Allele frequency attached by ClinVar (database versions not stated): gnomAD exomes 0.05947 and 0.06711; ExAC 0.06870; gnomAD 0.07980 and 0.08093; TOPMed 0.08604; ESP Exome Variant Server 0.08800; 1000 Genomes Project 0.10743; 1000 Genomes Project 30x 0.10853.

Submissions (2):

Labcorp Genetics (formerly Invitae), Labcorp
Classification: Benign for Carnitine palmitoyl transferase 1A deficiency. Last evaluated: 2026-02-04. Review status: criteria provided, single submitter. Criteria: Invitae Variant Classification Sherloc (09022015). Collection method: clinical testing. Allele origin: germline.

GeneDx
Classification: Benign. Last evaluated: 2013-05-29. Review status: criteria provided, single submitter. Criteria: GeneDx Variant Classification (06012015). Collection method: clinical testing. Allele origin: germline. Affected: yes.
Comment: This variant is considered likely benign or benign based on one or more of the following criteria: it is a conservative change, it occurs at a poorly conserved position in the protein, it is predicted to be benign by multiple in silico algorithms, and/or has population frequency not consistent with disease.